The following is an entry in ClinVar:

ClinVar aggregate classification (germline): Uncertain significance (1 of 4 stars; one submission).

Conditions:
Microphthalmia, isolated, with coloboma 6 (MCOPCB6). Also called: Microphthalmia with coloboma 6, digenic; Microphthalmia with coloboma 6; MICROPHTHALMIA/COLOBOMA 6. Identifiers: Orphanet 98938, MedGen C3150968, MONDO:0013376, OMIM 613703.
Leber congenital amaurosis 17 (LCA17). Identifiers: Orphanet 65, MedGen C3715164, MONDO:0014145, OMIM 615360.
Klippel-Feil syndrome 1, autosomal dominant (KFS1). Also called: CERVICAL VERTEBRAL FUSION, AUTOSOMAL DOMINANT. Identifiers: Orphanet 2345, MedGen C1861689, MONDO:0007306, OMIM 118100.
Isolated microphthalmia 4. Identifiers: Orphanet 2542, MedGen C2751307, MONDO:0013130, OMIM 613094.

Submission:

Labcorp Genetics (formerly Invitae), Labcorp
Classification: Uncertain significance for Isolated microphthalmia 4; Leber congenital amaurosis 17; Klippel-Feil syndrome 1, autosomal dominant; Microphthalmia, isolated, with coloboma 6. Last evaluated: 2025-08-05. Review status: criteria provided, single submitter. Criteria: Invitae Variant Classification Sherloc (09022015). Collection method: clinical testing. Allele origin: germline.
Comment: This sequence change replaces alanine, which is neutral and non-polar, with threonine, which is neutral and polar, at codon 247 of the GDF6 protein (p.Ala247Thr). This variant is not present in population databases (gnomAD no frequency). This variant has not been reported in the literature in individuals affected with GDF6-related conditions. An algorithm developed to predict the effect of missense changes on protein structure and function outputs the following: PolyPhen-2: "Benign". The threonine amino acid residue is found in multiple mammalian species, which suggests that this missense change does not adversely affect protein function. In summary, the available evidence is currently insufficient to determine the role of this variant in disease. Therefore, it has been classified as a Variant of Uncertain Significance.

NM_001001557.4(GDF6):c.739G>A (p.Ala247Thr)

Gene: GDF6 (growth differentiation factor 6; minus strand). Cytogenetic location: 8q22.1.
Variant type: single nucleotide variant.
Coding change: c.739G>A on transcript NM_001001557.4 (MANE Select); coding-DNA position 739, G replaced by A.
Protein change: p.Ala247Thr; replaces alanine 247 with threonine.
Molecular consequence: missense variant.
Genome position (GRCh38, 1-based): chr8:96,145,192, C>T on the plus strand (G>A on the coding strand, the complement: GDF6 is on the minus strand). VCF-style: chr8-96145192-C-T. GRCh37 (hg19) VCF-style: chr8-97157420-C-T.
Other names: short protein forms A247T.
Identifiers: ClinVar variation 4785716 (VCV004785716.1).
Genomic context (GRCh38, chr8:96,145,192, plus strand): 5'-GGCCGAAGCCCAGACTCCGCAGGTCCGGGGGCGGCGGTTGCTGGGGTCCCCGCGCGCGCG[C>T]CTCGGCCTCCCCGGCGTCCAGCTCGCCCCATGCGGCCCGCAGCTCCAAGCACAGCTGCTT-3'
Protein context (NP_001001557.1, residues 237-257): WGELDAGEAE[Ala247Thr]RARGPQQPPP